The following is an entry in ClinVar:

NM_001287.6(CLCN7):c.1547C>T (p.Pro516Leu)

Gene: CLCN7 (Cl-/H+ antiporter 7; minus strand). Cytogenetic location: 16p13.3.
Variant type: single nucleotide variant.
Coding change: c.1547C>T on transcript NM_001287.6 (MANE Select); coding-DNA position 1547, C replaced by T.
Protein change: p.Pro516Leu; replaces proline 516 with leucine.
Molecular consequence: missense variant.
Genome position (GRCh38, 1-based): chr16:1,450,567, G>A on the plus strand (C>T on the coding strand, the complement: CLCN7 is on the minus strand). VCF-style: chr16-1450567-G-A. GRCh37 (hg19) VCF-style: chr16-1500568-G-A.
Other names: c.1547C>T (NM_001287.4); c.1475C>T, p.Pro492Leu (NM_001114331.3); short protein forms P516L, P492L.
Identifiers: ClinVar variation 2109755 (VCV002109755.5), dbSNP rs371736537, ClinGen allele CA7810185.

ClinVar aggregate classification (germline): Uncertain significance. Review status: criteria provided, multiple submitters, no conflicts (2 of 4 stars). 2 submissions from 2 submitters: Uncertain significance (2). Last evaluated 2026-08-31.

Conditions:
Inborn genetic diseases. Identifiers: MedGen C0950123, MeSH D030342.

Allele frequency attached by ClinVar (database versions not stated): gnomAD 0.00001; TOPMed 0.00002; ExAC 0.00003; 1000 Genomes Project 30x 0.00031; ESP Exome Variant Server 0.00008.
gnomAD v4.1: 12 of 1,612,208 alleles (0.00074%); highest among the groups gnomAD compares: African/African-American, 0.0013%; no homozygotes.

Submissions (2):

Ambry Genetics
Classification: Uncertain significance for Inborn genetic diseases. Last evaluated: 2026-08-31. Review status: criteria provided, single submitter. Criteria: Ambry Variant Classification Scheme 2023. Collection method: clinical testing. Allele origin: germline.

Labcorp Genetics (formerly Invitae), Labcorp
Classification: Uncertain significance. Last evaluated: 2022-06-27. Review status: criteria provided, single submitter. Criteria: Invitae Variant Classification Sherloc (09022015). Collection method: clinical testing. Allele origin: germline.
Comment: This variant is present in population databases (rs371736537, gnomAD 0.007%). This sequence change replaces proline, which is neutral and non-polar, with leucine, which is neutral and non-polar, at codon 516 of the CLCN7 protein (p.Pro516Leu). This variant has not been reported in the literature in individuals affected with CLCN7-related conditions. Advanced modeling of protein sequence and biophysical properties (such as structural, functional, and spatial information, amino acid conservation, physicochemical variation, residue mobility, and thermodynamic stability) performed at Invitae indicates that this missense variant is expected to disrupt CLCN7 protein function. In summary, the available evidence is currently insufficient to determine the role of this variant in disease. Therefore, it has been classified as a Variant of Uncertain Significance.